The following is an entry in ClinVar:

ClinVar aggregate classification (germline): Likely pathogenic (1 of 4 stars; one submission).

Conditions:
Very long chain acyl-CoA dehydrogenase deficiency (ACADVLD). Also called: Very Long-Chain Acyl-Coenzyme A Dehydrogenase Deficiency; VLCAD Deficiency. Identifiers: Orphanet 26793, MedGen C3887523, MONDO:0008723, OMIM 201475.

Submission:

Juno Genomics, Hangzhou Juno Genomics, Inc
Classification: Likely pathogenic for Very long chain acyl-CoA dehydrogenase deficiency. Review status: criteria provided, single submitter. Criteria: ACMG Guidelines, 2015. Collection method: clinical testing. Allele origin: germline.
Comment: Null variant in a gene where loss of function (LOF) is a known mechanism of disease.;Absent from controls (or at extremely low frequency if recessive) in Genome Aggregation Database.

NM_000018.4(ACADVL):c.400C>T (p.Gln134Ter)

Gene: ACADVL (acyl-CoA dehydrogenase very long chain; plus strand). Cytogenetic location: 17p13.1.
Variant type: single nucleotide variant.
Coding change: c.400C>T on transcript NM_000018.4 (MANE Select); coding-DNA position 400, C replaced by T.
Protein change: p.Gln134Ter; replaces glutamine 134 with a stop codon.
Molecular consequence: nonsense.
Genome position (GRCh38, 1-based): chr17:7,220,981, C>T. VCF-style: chr17-7220981-C-T. GRCh37 (hg19) VCF-style: chr17-7124300-C-T.
Other names: c.334C>T, p.Gln112Ter (NM_001033859.3); c.469C>T, p.Gln157Ter (NM_001270447.2); c.172C>T, p.Gln58Ter (NM_001270448.2); short protein forms Q134*, Q157*, Q58*, Q112*.
Identifiers: ClinVar variation 5005803 (VCV005005803.2).